The following is an entry in ClinVar:

NM_001366385.1(CARD14):c.1557C>T (p.Gly519=)

Gene: CARD14 (caspase recruitment domain family member 14; plus strand). Cytogenetic location: 17q25.3.
Variant type: single nucleotide variant.
Coding change: c.1557C>T on transcript NM_001366385.1 (MANE Select); coding-DNA position 1557, C replaced by T.
Protein change: p.Gly519=; no amino-acid change (glycine 519 retained).
Molecular consequence: synonymous variant. On other transcripts: non-coding transcript variant (1).
Genome position (GRCh38, 1-based): chr17:80,195,615, C>T. VCF-style: chr17-80195615-C-T. GRCh37 (hg19) VCF-style: chr17-78169414-C-T.
Other names: c.1557C>T, p.Gly519= (NM_001257970.1, NM_024110.4); c.846C>T, p.Gly282= (NM_052819.3).
Identifiers: ClinVar variation 2949571 (VCV002949571.5), dbSNP rs547849756, ClinGen allele CA8816866.

ClinVar aggregate classification (germline): Likely benign. Review status: criteria provided, single submitter (1 of 4 stars). 2 submissions from 2 submitters: Likely benign (1). 1 of the submissions does not count toward it. Last evaluated 2025-09-29.

Conditions:
Pityriasis rubra pilaris (PRP). Also called: Pityriasis rubra pilaris--familial type. Identifiers: Orphanet 2897, MedGen C0032027, MONDO:0100017, OMIM 173200, MONDO:0008251.
Psoriasis 2. Identifiers: MedGen C1864497, MONDO:0011269, OMIM 602723.
CARD14-related disorder. Also called: CARD14-related condition.

Allele frequency attached by ClinVar (database versions not stated): gnomAD exomes 0.00001; ExAC 0.00002.

Submissions (2):

Labcorp Genetics (formerly Invitae), Labcorp
Classification: Likely benign for Pityriasis rubra pilaris; Psoriasis 2. Last evaluated: 2025-09-29. Review status: criteria provided, single submitter. Criteria: Invitae Variant Classification Sherloc (09022015). Collection method: clinical testing. Allele origin: germline.

PreventionGenetics, part of Exact Sciences
Classification: Likely benign for CARD14-related condition. Last evaluated: 2023-07-03. Review status: no assertion criteria provided. Collection method: clinical testing. Allele origin: germline. Not counted in ClinVar's aggregate classification.
Comment: This variant is classified as likely benign based on ACMG/AMP sequence variant interpretation guidelines (Richards et al. 2015 PMID: 25741868, with internal and published modifications).